The following is an entry in ClinVar:

NM_001267550.2(TTN):c.88134A>G (p.Pro29378=)

Genes: TTN (titin; minus strand), TTN-AS1 (TTN antisense RNA 1; plus strand). Cytogenetic location: 2q31.2.
Variant type: single nucleotide variant.
Coding change: c.88134A>G on transcript NM_001267550.2 (MANE Select); coding-DNA position 88134, A replaced by G.
Protein change: p.Pro29378=; no amino-acid change (proline 29378 retained).
Molecular consequence: synonymous variant.
Genome position (GRCh38, 1-based): chr2:178,557,020, T>C on the plus strand (A>G on the coding strand, the complement: TTN is on the minus strand). VCF-style: chr2-178557020-T-C. GRCh37 (hg19) VCF-style: chr2-179421747-T-C.
Other names: p.Pro27737=; c.83211A>G, p.Pro27737= (NM_001256850.1); c.60939A>G, p.Pro20313= (NM_003319.4); c.80430A>G, p.Pro26810= (NM_133378.4); c.61314A>G, p.Pro20438= (NM_133432.3); c.61515A>G, p.Pro20505= (NM_133437.4).
Identifiers: ClinVar variation 332740 (VCV000332740.31), dbSNP rs374612925, ClinGen allele CA1988192.
Genomic context (GRCh38, chr2:178,557,020, plus strand): 5'-AGAGATGATGAATTGAGTTTCAGTAACATTGGTGAAGCTGGCCTTGGTCCATCTGCCATC[T>C]GGAAGGTCACGTCTCTCAACAATGTAGCCTGTAATCTTGCTACCTCCATCGAAAGCTGGT-3'
Protein context (NP_001254479.2, residues 29368-29388): TGYIVERRDL[Pro29378=]DGRWTKASFT

ClinVar aggregate classification (germline): Conflicting classifications of pathogenicity. Review status: criteria provided, conflicting classifications (1 of 4 stars). 15 submissions from 11 submitters: Uncertain significance (3); Benign (3); Likely benign (8). 1 of the submissions does not count toward it. Last evaluated 2026-09-21.

Conditions:
Cardiovascular phenotype. Identifiers: MedGen CN230736.
Dilated cardiomyopathy 1G (CMD1G). Identifiers: Orphanet 154, MedGen C1858763, MONDO:0011400, OMIM 604145.
Autosomal recessive limb-girdle muscular dystrophy type 2J (LGMDR10). Also called: MUSCULAR DYSTROPHY, LIMB-GIRDLE, AUTOSOMAL RECESSIVE 10; Limb-girdle muscular dystrophy, type 2J. Identifiers: Orphanet 140922, MedGen C1837342, MONDO:0012127, OMIM 608807.
Early-onset myopathy with fatal cardiomyopathy (CMYO5). Also called: CONGENITAL MYOPATHY 5 WITH CARDIOMYOPATHY; Salih Myopathy. Identifiers: Orphanet 289377, MedGen C2673677, MONDO:0012714, OMIM 611705. Disease mechanism: loss of function.
Myopathy, myofibrillar, 9, with early respiratory failure (MFM9). Also called: Myopathy, distal, with early respiratory failure, autosomal dominant; EDSTROM MYOPATHY; Hereditary myopathy with early respiratory failure; MYOPATHY, PROXIMAL, WITH EARLY RESPIRATORY MUSCLE INVOLVEMENT. Identifiers: Orphanet 178464, Orphanet 34521, MedGen C1863599, MONDO:0011362, OMIM 603689.
Tibial muscular dystrophy (TMD). Also called: Udd Distal Myopathy – Tibial Muscular Dystrophy; UDD MYOPATHY; Tibial muscular dystrophy, tardive. Identifiers: Orphanet 609, MedGen C1838244, MONDO:0010870, OMIM 600334.
TTN-related disorder. Also called: TTN-related condition; TTN-related disease; TTN-related disorders.

Allele frequency attached by ClinVar (database versions not stated): gnomAD exomes 0.00002 and 0.00006; ExAC 0.00007; gnomAD 0.00016 and 0.00018; TOPMed 0.00031; ESP Exome Variant Server 0.00049.
gnomAD v4.1: 55 of 1,613,712 alleles (0.0034%); highest among the groups gnomAD compares: African/African-American, 0.057%; no homozygotes.

Submissions (15):

Molecular Diagnostic Laboratory for Inherited Cardiovascular Disease, Montreal Heart Institute
Classification: Likely benign. Last evaluated: 2026-09-21. Review status: criteria provided, single submitter. Criteria: ACMG Guidelines, 2015. Collection method: clinical testing. Allele origin: germline. Affected: no.
Comment: BP7

Women's Health and Genetics/Laboratory Corporation of America, LabCorp
Classification: Likely benign. Last evaluated: 2026-06-05. Review status: criteria provided, single submitter. Criteria: LabCorp Variant Classification Summary - May 2015. Collection method: clinical testing. Allele origin: germline.

CeGaT Center for Human Genetics Tuebingen
Classification: Likely benign. Last evaluated: 2026-06-01. Review status: criteria provided, single submitter. Criteria: CeGaT Center For Human Genetics Tuebingen Variant Classification Criteria Version 2. Collection method: clinical testing. Allele origin: germline. Affected: yes. Observed: 1 variant allele.
Comment: TTN: BP4, BP7

Labcorp Genetics (formerly Invitae), Labcorp
Classification: Likely benign for Dilated cardiomyopathy 1G; Autosomal recessive limb-girdle muscular dystrophy type 2J. Last evaluated: 2026-01-20. Review status: criteria provided, single submitter. Criteria: Invitae Variant Classification Sherloc (09022015). Collection method: clinical testing. Allele origin: germline.

Mayo Clinic Laboratories, Mayo Clinic
Classification: Likely benign. Last evaluated: 2025-09-17. Review status: criteria provided, single submitter. Criteria: ACMG Guidelines, 2015. Collection method: clinical testing. Allele origin: germline. Observed: 1 variant allele.
Comment: BS1, BP4, BP7

Blueprint Genetics
Classification: Likely benign. Last evaluated: 2021-12-23. Review status: criteria provided, single submitter. Criteria: ACMG Guidelines, 2015. Collection method: clinical testing. Allele origin: germline.

Ambry Genetics
Classification: Likely benign for Cardiovascular phenotype. Last evaluated: 2018-12-24. Review status: criteria provided, single submitter. Criteria: Ambry Variant Classification Scheme 2023. Collection method: clinical testing. Allele origin: germline.

Illumina Laboratory Services, Illumina
Classification: Benign for Myopathy, myofibrillar, 9, with early respiratory failure. Last evaluated: 2018-01-13. Review status: criteria provided, single submitter. Criteria: ICSL Variant Classification Criteria 13 December 2019. Collection method: clinical testing. Allele origin: germline.
Comment: This variant was observed in the ICSL laboratory as part of a predisposition screen in an ostensibly healthy population. It had not been previously curated by ICSL or reported in the Human Gene Mutation Database (HGMD: prior to June 1st, 2018), and was therefore a candidate for classification through an automated scoring system. Utilizing variant allele frequency, disease prevalence and penetrance estimates, and inheritance mode, an automated score was calculated to assess if this variant is too frequent to cause the disease. Based on the score and internal cut-off values, a variant classified as benign is not then subjected to further curation. The score for this variant resulted in a classification of benign for this disease.

Illumina Laboratory Services, Illumina
Classification: Uncertain significance for Early-onset myopathy with fatal cardiomyopathy. Last evaluated: 2018-01-13. Review status: criteria provided, single submitter. Criteria: ICSL Variant Classification Criteria 13 December 2019. Collection method: clinical testing. Allele origin: germline.

Illumina Laboratory Services, Illumina
Classification: Uncertain significance for Dilated cardiomyopathy 1G. Last evaluated: 2018-01-13. Review status: criteria provided, single submitter. Criteria: ICSL Variant Classification Criteria 13 December 2019. Collection method: clinical testing. Allele origin: germline.

Illumina Laboratory Services, Illumina
Classification: Benign for Tibial muscular dystrophy. Last evaluated: 2018-01-13. Review status: criteria provided, single submitter. Criteria: ICSL Variant Classification Criteria 13 December 2019. Collection method: clinical testing. Allele origin: germline.
Comment: the same text as in the submission from Illumina Laboratory Services, Illumina above.

Illumina Laboratory Services, Illumina
Classification: Uncertain significance for Autosomal recessive limb-girdle muscular dystrophy type 2J. Last evaluated: 2018-01-13. Review status: criteria provided, single submitter. Criteria: ICSL Variant Classification Criteria 13 December 2019. Collection method: clinical testing. Allele origin: germline.

Eurofins Ntd Llc (ga)
Classification: Likely benign. Last evaluated: 2017-07-12. Review status: criteria provided, single submitter. Criteria: EGL Classification Definitions 2015. Collection method: clinical testing. Allele origin: germline. Observed: 1 variant allele, 1 heterozygote.

GeneDx
Classification: Benign. Last evaluated: 2015-03-03. Review status: criteria provided, single submitter. Criteria: GeneDx Variant Classification Process June 2021. Collection method: clinical testing. Allele origin: germline. Affected: yes.

PreventionGenetics, part of Exact Sciences
Classification: Likely benign for TTN-related condition. Last evaluated: 2024-04-12. Review status: no assertion criteria provided. Collection method: clinical testing. Allele origin: germline. Not counted in ClinVar's aggregate classification.
Comment: This variant is classified as likely benign based on ACMG/AMP sequence variant interpretation guidelines (Richards et al. 2015 PMID: 25741868, with internal and published modifications).